The following is an entry in ClinVar:

ClinVar aggregate classification (germline): Likely benign (1 of 4 stars; one submission).

Conditions:
Histidinemia. Also called: Deficiency of histidine ammonia-lyase; Hyperhistidinemia; HAL DEFICIENCY; HIS DEFICIENCY; HISTIDASE DEFICIENCY; HISTIDINE AMMONIA-LYASE DEFICIENCY. Identifiers: Orphanet 2157, MedGen C0220992, MONDO:0009345, OMIM 235800, HP:0010906.

Allele frequency attached by ClinVar (database versions not stated): TOPMed 0.01116; 1000 Genomes Project 0.01138; 1000 Genomes Project 30x 0.01156; gnomAD 0.01011 and 0.01081.

Submission:

Illumina Laboratory Services, Illumina
Classification: Likely benign for Histidinemia. Last evaluated: 2017-04-27. Review status: criteria provided, single submitter. Criteria: ICSL Variant Classification Criteria 13 December 2019. Collection method: clinical testing. Allele origin: germline.
Comment: This variant was observed as part of a predisposition screen in an ostensibly healthy population. A literature search was performed for the gene, cDNA change, and amino acid change (where applicable). No publications were found based on this search. Allele frequency data from public databases allowed determination this variant is unlikely to cause disease. Therefore, this variant is classified as likely benign.

NM_002108.4(HAL):c.*914T>C

Gene: HAL (histidine ammonia-lyase; minus strand). Cytogenetic location: 12q23.1.
Variant type: single nucleotide variant.
Coding change: c.*914T>C on transcript NM_002108.4 (MANE Select); 914 bases downstream of the stop codon, T replaced by C.
Molecular consequence: 3 prime UTR variant.
Genome position (GRCh38, 1-based): chr12:95,973,318, A>G on the plus strand (T>C on the coding strand, the complement: HAL is on the minus strand). VCF-style: chr12-95973318-A-G. GRCh37 (hg19) VCF-style: chr12-96367096-A-G.
Other names: c.*914T>C (NM_001258333.2); c.*1042T>C (NM_001258334.2).
Identifiers: ClinVar variation 881357 (VCV000881357.4), dbSNP rs57838042, ClinGen allele CA241407576.